The following is an entry in ClinVar:

ClinVar aggregate classification (germline): Benign (0 of 4 stars; one submission).

Conditions:
ALPK2-related disorder. Also called: ALPK2-related condition.

Allele frequency attached by ClinVar (database versions not stated): 1000 Genomes Project 0.40415; 1000 Genomes Project 30x 0.40709; ExAC 0.47006; TOPMed 0.48387; gnomAD 0.49110; ESP Exome Variant Server 0.50561; gnomAD exomes 0.52500.
gnomAD v4.1: 840,004 of 1,612,538 alleles (52%); highest among the groups gnomAD compares: Non-Finnish European, 56%; 223,507 homozygotes.

Submission:

PreventionGenetics, part of Exact Sciences
Classification: Benign for ALPK2-related condition. Last evaluated: 2019-10-17. Review status: no assertion criteria provided. Collection method: clinical testing. Allele origin: germline.
Comment: This variant is classified as benign based on ACMG/AMP sequence variant interpretation guidelines (Richards et al. 2015 PMID: 25741868, with internal and published modifications).

NM_052947.4(ALPK2):c.2748T>A (p.Asn916Lys)

Gene: ALPK2 (alpha kinase 2; minus strand). Cytogenetic location: 18q21.31.
Variant type: single nucleotide variant.
Coding change: c.2748T>A on transcript NM_052947.4 (MANE Select); coding-DNA position 2748, T replaced by A.
Protein change: p.Asn916Lys; replaces asparagine 916 with lysine.
Molecular consequence: missense variant.
Genome position (GRCh38, 1-based): chr18:58,537,439, A>T on the plus strand (T>A on the coding strand, the complement: ALPK2 is on the minus strand). VCF-style: chr18-58537439-A-T. GRCh37 (hg19) VCF-style: chr18-56204671-A-T.
Other names: short protein forms N916K.
Identifiers: ClinVar variation 3060966 (VCV003060966.2), dbSNP rs4940404, ClinGen allele CA8977020.